The following is an entry in ClinVar:

NM_020699.4(GATAD2B):c.1209C>A (p.Asp403Glu)

Gene: GATAD2B (GATA zinc finger domain containing 2B; minus strand). Cytogenetic location: 1q21.3.
Variant type: single nucleotide variant.
Coding change: c.1209C>A on transcript NM_020699.4 (MANE Select); coding-DNA position 1209, C replaced by A.
Protein change: p.Asp403Glu; replaces aspartic acid 403 with glutamic acid.
Molecular consequence: missense variant.
Genome position (GRCh38, 1-based): chr1:153,816,280, G>T on the plus strand (C>A on the coding strand, the complement: GATAD2B is on the minus strand). VCF-style: chr1-153816280-G-T. GRCh37 (hg19) VCF-style: chr1-153788756-G-T.
Other names: short protein forms D403E.
Identifiers: ClinVar variation 3683560 (VCV003683560.2).

ClinVar aggregate classification (germline): Uncertain significance (1 of 4 stars; one submission).

Submission:

Labcorp Genetics (formerly Invitae), Labcorp
Classification: Uncertain significance. Last evaluated: 2024-08-08. Review status: criteria provided, single submitter. Criteria: Invitae Variant Classification Sherloc (09022015). Collection method: clinical testing. Allele origin: germline.
Comment: This sequence change replaces aspartic acid, which is acidic and polar, with glutamic acid, which is acidic and polar, at codon 403 of the GATAD2B protein (p.Asp403Glu). This variant is not present in population databases (gnomAD no frequency). This variant has not been reported in the literature in individuals affected with GATAD2B-related conditions. Advanced modeling of protein sequence and biophysical properties (such as structural, functional, and spatial information, amino acid conservation, physicochemical variation, residue mobility, and thermodynamic stability) performed at Invitae indicates that this missense variant is not expected to disrupt GATAD2B protein function with a negative predictive value of 80%. In summary, the available evidence is currently insufficient to determine the role of this variant in disease. Therefore, it has been classified as a Variant of Uncertain Significance.